The following is an entry in ClinVar:

ClinVar aggregate classification (germline): Uncertain significance (1 of 4 stars; one submission).

Allele frequency attached by ClinVar (database versions not stated): ExAC 0.00002; gnomAD exomes 0.00002; gnomAD 0.00003; TOPMed 0.00008.
gnomAD v4.1: 40 of 1,613,940 alleles (0.0025%); highest among the groups gnomAD compares: Admixed American, 0.015%; no homozygotes.

Submission:

Labcorp Genetics (formerly Invitae), Labcorp
Classification: Uncertain significance. Last evaluated: 2024-01-22. Review status: criteria provided, single submitter. Criteria: Invitae Variant Classification Sherloc (09022015). Collection method: clinical testing. Allele origin: germline.
Comment: This sequence change replaces arginine, which is basic and polar, with glutamine, which is neutral and polar, at codon 729 of the SORL1 protein (p.Arg729Gln). This variant is present in population databases (rs757471141, gnomAD 0.009%). This missense change has been observed in individual(s) with Alzheimer disease (PMID: 28537274). ClinVar contains an entry for this variant (Variation ID: 2137275). An algorithm developed to predict the effect of missense changes on protein structure and function (PolyPhen-2) suggests that this variant is likely to be disruptive. In summary, the available evidence is currently insufficient to determine the role of this variant in disease. Therefore, it has been classified as a Variant of Uncertain Significance.

Literature cited by the submitters: PubMed 28537274.

NM_003105.6(SORL1):c.2186G>A (p.Arg729Gln)

Gene: SORL1 (sortilin related receptor 1; plus strand). Cytogenetic location: 11q24.1.
Variant type: single nucleotide variant.
Coding change: c.2186G>A on transcript NM_003105.6 (MANE Select); coding-DNA position 2186, G replaced by A.
Protein change: p.Arg729Gln; replaces arginine 729 with glutamine.
Molecular consequence: missense variant.
Genome position (GRCh38, 1-based): chr11:121,550,590, G>A. VCF-style: chr11-121550590-G-A. GRCh37 (hg19) VCF-style: chr11-121421299-G-A.
Other names: short protein forms R729Q.
Identifiers: ClinVar variation 2137275 (VCV002137275.4), dbSNP rs757471141, ClinGen allele CA6328870.